The following is an entry in ClinVar:

NM_012291.5(ESPL1):c.3450C>T (p.Leu1150=)

Gene: ESPL1 (extra spindle pole bodies like 1, separase; plus strand). Cytogenetic location: 12q13.13.
Variant type: single nucleotide variant.
Coding change: c.3450C>T on transcript NM_012291.5 (MANE Select); coding-DNA position 3450, C replaced by T.
Protein change: p.Leu1150=; no amino-acid change (leucine 1150 retained).
Molecular consequence: synonymous variant.
Genome position (GRCh38, 1-based): chr12:53,286,186, C>T. VCF-style: chr12-53286186-C-T. GRCh37 (hg19) VCF-style: chr12-53679970-C-T.
Identifiers: ClinVar variation 3049780 (VCV003049780.2), dbSNP rs148885660, ClinGen allele CA6597495.

ClinVar aggregate classification (germline): Likely benign (0 of 4 stars; one submission).

Conditions:
ESPL1-related disorder. Also called: ESPL1-related condition.

Allele frequency attached by ClinVar (database versions not stated): TOPMed 0.00090; gnomAD 0.00091; 1000 Genomes Project 30x 0.00094; ESP Exome Variant Server 0.00100; 1000 Genomes Project 0.00120.
gnomAD v4.1: 262 of 1,614,286 alleles (0.016%); highest among the groups gnomAD compares: African/African-American, 0.32%; no homozygotes.

Submission:

PreventionGenetics, part of Exact Sciences
Classification: Likely benign for ESPL1-related condition. Last evaluated: 2020-03-27. Review status: no assertion criteria provided. Collection method: clinical testing. Allele origin: germline.
Comment: This variant is classified as likely benign based on ACMG/AMP sequence variant interpretation guidelines (Richards et al. 2015 PMID: 25741868, with internal and published modifications).